The following is an entry in ClinVar:

NM_206933.4(USH2A):c.9346C>A (p.Pro3116Thr)

Gene: USH2A (usherin; minus strand). Cytogenetic location: 1q41.
Variant type: single nucleotide variant.
Coding change: c.9346C>A on transcript NM_206933.4 (MANE Select); coding-DNA position 9346, C replaced by A.
Protein change: p.Pro3116Thr; replaces proline 3116 with threonine.
Molecular consequence: missense variant.
Genome position (GRCh38, 1-based): chr1:215,838,016, G>T on the plus strand (C>A on the coding strand, the complement: USH2A is on the minus strand). VCF-style: chr1-215838016-G-T. GRCh37 (hg19) VCF-style: chr1-216011358-G-T.
Other names: short protein forms P3116T.
Identifiers: ClinVar variation 636228 (VCV000636228.10), dbSNP rs140260219, ClinGen allele CA1394349.

ClinVar aggregate classification (germline): Pathogenic/Likely pathogenic. Review status: criteria provided, multiple submitters, no conflicts (2 of 4 stars). 4 submissions from 4 submitters: Pathogenic (1); Likely pathogenic (2). 1 of the submissions does not count toward it. Last evaluated 2024-12-08.

Conditions:
USH2A-related disorder. Also called: USH2A-related disorders; USH2A-related condition. Identifiers: MedGen CN239332.
Retinitis pigmentosa 39 (RP39). Identifiers: Orphanet 791, MedGen C3151138, MONDO:0013436, OMIM 613809.
Retinitis pigmentosa (RP). Identifiers: Orphanet 791, MedGen C0035334, MeSH D012174, MONDO:0019200, OMIM 268000. Inheritance: Autosomal dominant, autosomal recessive and X linked inheritance.

Allele frequency attached by ClinVar (database versions not stated): gnomAD exomes below 0.00001; ExAC 0.00001; gnomAD 0.00001; TOPMed 0.00002; ESP Exome Variant Server 0.00008.
gnomAD v4.1: 4 of 1,613,788 alleles (0.00025%); highest among the groups gnomAD compares: African/African-American, 0.004%; no homozygotes.

Submissions (4):

Labcorp Genetics (formerly Invitae), Labcorp
Classification: Pathogenic. Last evaluated: 2024-12-08. Review status: criteria provided, single submitter. Criteria: Invitae Variant Classification Sherloc (09022015). Collection method: clinical testing. Allele origin: germline.
Comment: This sequence change replaces proline, which is neutral and non-polar, with threonine, which is neutral and polar, at codon 3116 of the USH2A protein (p.Pro3116Thr). This variant is present in population databases (rs140260219, gnomAD 0.007%). This missense change has been observed in individual(s) with clinical features of retinitis pigmentosa and/or Usher syndrome (PMID: 28944237, 30718709, 36011334; internal data). In at least one individual the data is consistent with being in trans (on the opposite chromosome) from a pathogenic variant. ClinVar contains an entry for this variant (Variation ID: 636228). Invitae Evidence Modeling of protein sequence and biophysical properties (such as structural, functional, and spatial information, amino acid conservation, physicochemical variation, residue mobility, and thermodynamic stability) has been performed for this missense variant. However, the output from this modeling did not meet the statistical confidence thresholds required to predict the impact of this variant on USH2A protein function. For these reasons, this variant has been classified as Pathogenic.

Baylor Genetics
Classification: Likely pathogenic for Retinitis pigmentosa 39. Last evaluated: 2023-12-02. Review status: criteria provided, single submitter. Criteria: ACMG Guidelines, 2015. Collection method: clinical testing. Allele origin: unknown.

Blueprint Genetics
Classification: Likely pathogenic for USH2A-related disorders. Last evaluated: 2022-03-05. Review status: criteria provided, single submitter. Criteria: ACMG Guidelines, 2015. Collection method: clinical testing. Allele origin: germline. Affected: yes. Observed: 3 variant alleles.

Department of Clinical Genetics, Copenhagen University Hospital, Rigshospitalet
Classification: Uncertain significance for Retinitis pigmentosa. Last evaluated: 2018-04-01. Review status: flagged submission. Collection method: research. Allele origin: unknown. Affected: yes. Study: VeluxRD. Not counted in ClinVar's aggregate classification.
ClinVar note: Reason: Older claim that does not account for recent evidence

Literature cited by the submitters: PubMed 28944237 (cited by Labcorp Genetics (formerly Invitae), Labcorp); PubMed 30718709 (cited by Labcorp Genetics (formerly Invitae), Labcorp and Department of Clinical Genetics, Copenhagen University Hospital, Rigshospitalet); PubMed 36011334 (cited by Labcorp Genetics (formerly Invitae), Labcorp).